The following is an entry in ClinVar:

ClinVar aggregate classification (germline): Uncertain significance (1 of 4 stars; one submission).

Submission:

GeneDx
Classification: Uncertain significance. Last evaluated: 2026-02-27. Review status: criteria provided, single submitter. Criteria: GeneDx Variant Classification Process June 2021. Collection method: clinical testing. Allele origin: germline.
Comment: Not observed at significant frequency in large population cohorts (gnomAD); In silico analysis supports that this missense variant has a deleterious effect on protein structure/function; Has not been previously published as pathogenic or benign to our knowledge

NM_005614.4(RHEB):c.343A>T (p.Met115Leu)

Gene: RHEB (Ras homolog, mTORC1 binding; minus strand). Cytogenetic location: 7q36.1.
Variant type: single nucleotide variant.
Coding change: c.343A>T on transcript NM_005614.4 (MANE Select); coding-DNA position 343, A replaced by T.
Protein change: p.Met115Leu; replaces methionine 115 with leucine.
Molecular consequence: missense variant.
Genome position (GRCh38, 1-based): chr7:151,471,431, T>A on the plus strand (A>T on the coding strand, the complement: RHEB is on the minus strand). VCF-style: chr7-151471431-T-A. GRCh37 (hg19) VCF-style: chr7-151168517-T-A.
Other names: short protein forms M115L.
Identifiers: ClinVar variation 4891442 (VCV004891442.1).